The following is an entry in ClinVar:

NM_003055.3(SLC18A3):c.64G>A (p.Gly22Ser)

Genes: CHAT (choline O-acetyltransferase; plus strand), SLC18A3 (solute carrier family 18 member A3; plus strand). Cytogenetic location: 10q11.23.
Variant type: single nucleotide variant.
Coding change: c.64G>A on transcript NM_003055.3 (MANE Select); coding-DNA position 64, G replaced by A.
Protein change: p.Gly22Ser; replaces glycine 22 with serine.
Molecular consequence: missense variant. On other transcripts: intron variant (1).
Genome position (GRCh38, 1-based): chr10:49,610,804, G>A. VCF-style: chr10-49610804-G-A. GRCh37 (hg19) VCF-style: chr10-50818850-G-A.
Other names: c.-69+1605G>A (NM_020984.4); short protein forms G22S.
Identifiers: ClinVar variation 1352516 (VCV001352516.6), dbSNP rs141439763, ClinGen allele CA5496678.

ClinVar aggregate classification (germline): Uncertain significance (1 of 4 stars; one submission).

Allele frequency attached by ClinVar (database versions not stated): gnomAD exomes below 0.00001; TOPMed 0.00002; ExAC 0.00003; ESP Exome Variant Server 0.00008.
gnomAD v4.1: 3 of 1,593,942 alleles (0.00019%); highest among the groups gnomAD compares: African/African-American, 0.004%; no homozygotes.

Submission:

Labcorp Genetics (formerly Invitae), Labcorp
Classification: Uncertain significance. Last evaluated: 2021-11-30. Review status: criteria provided, single submitter. Criteria: Invitae Variant Classification Sherloc (09022015). Collection method: clinical testing. Allele origin: germline.
Comment: This variant has not been reported in the literature in individuals affected with SLC18A3-related conditions. Algorithms developed to predict the effect of missense changes on protein structure and function (SIFT, PolyPhen-2, Align-GVGD) all suggest that this variant is likely to be tolerated. In summary, the available evidence is currently insufficient to determine the role of this variant in disease. Therefore, it has been classified as a Variant of Uncertain Significance. This variant is not present in population databases (gnomAD no frequency). This sequence change replaces glycine, which is neutral and non-polar, with serine, which is neutral and polar, at codon 22 of the SLC18A3 protein (p.Gly22Ser).